The following is an entry in ClinVar:

NM_001349884.2(DRAM2):c.502G>A (p.Val168Ile)

Gene: DRAM2 (DNA damage regulated autophagy modulator 2; minus strand). Cytogenetic location: 1p13.3.
Variant type: single nucleotide variant.
Coding change: c.502G>A on transcript NM_001349884.2 (MANE Select); coding-DNA position 502, G replaced by A.
Protein change: p.Val168Ile; replaces valine 168 with isoleucine.
Molecular consequence: missense variant.
Genome position (GRCh38, 1-based): chr1:111,120,531, C>T on the plus strand (G>A on the coding strand, the complement: DRAM2 is on the minus strand). VCF-style: chr1-111120531-C-T. GRCh37 (hg19) VCF-style: chr1-111663153-C-T.
Other names: c.502G>A, p.Val168Ile (NM_001349881.2, NM_001349882.2, NM_001349885.2 and 1 more transcripts); c.232G>A, p.Val78Ile (NM_001349886.2, NM_001349887.2, NM_001349888.2); c.112G>A, p.Val38Ile (NM_001349889.2, NM_001349890.2, NM_001349891.2 and 2 more transcripts); short protein forms V168I, V38I, V78I.
Identifiers: ClinVar variation 1465528 (VCV001465528.6), dbSNP rs2101017946, ClinGen allele CA341818756.

ClinVar aggregate classification (germline): Uncertain significance (1 of 4 stars; one submission).

Allele frequency attached by ClinVar (database versions not stated): gnomAD exomes below 0.00001.
gnomAD v4.1: 1 of 1,602,826 alleles (0.000062%); highest among the groups gnomAD compares: Admixed American, 0.0017%; no homozygotes.

Submission:

Labcorp Genetics (formerly Invitae), Labcorp
Classification: Uncertain significance. Last evaluated: 2022-08-23. Review status: criteria provided, single submitter. Criteria: Invitae Variant Classification Sherloc (09022015). Collection method: clinical testing. Allele origin: germline.
Comment: This sequence change replaces valine, which is neutral and non-polar, with isoleucine, which is neutral and non-polar, at codon 168 of the DRAM2 protein (p.Val168Ile). In summary, the available evidence is currently insufficient to determine the role of this variant in disease. Therefore, it has been classified as a Variant of Uncertain Significance. Algorithms developed to predict the effect of sequence changes on RNA splicing suggest that this variant may disrupt the consensus splice site. Algorithms developed to predict the effect of missense changes on protein structure and function (SIFT, PolyPhen-2, Align-GVGD) all suggest that this variant is likely to be tolerated. ClinVar contains an entry for this variant (Variation ID: 1465528). This variant has not been reported in the literature in individuals affected with DRAM2-related conditions. This variant is not present in population databases (gnomAD no frequency).